The following is an entry in ClinVar:

NM_014271.4(IL1RAPL1):c.1835A>G (p.His612Arg)

Gene: IL1RAPL1 (interleukin 1 receptor accessory protein like 1; plus strand). Cytogenetic location: Xp21.2.
Variant type: single nucleotide variant.
Coding change: c.1835A>G on transcript NM_014271.4 (MANE Select); coding-DNA position 1835, A replaced by G.
Protein change: p.His612Arg; replaces histidine 612 with arginine.
Molecular consequence: missense variant.
Genome position (GRCh38, 1-based): chrX:29,955,564, A>G. VCF-style: chrX-29955564-A-G. GRCh37 (hg19) VCF-style: chrX-29973681-A-G.
Other names: short protein forms H612R.
Identifiers: ClinVar variation 2965428 (VCV002965428.3), dbSNP rs1051921893, ClinGen allele CA328299158.

ClinVar aggregate classification (germline): Uncertain significance (1 of 4 stars; one submission).

Allele frequency attached by ClinVar (database versions not stated): gnomAD exomes below 0.00001; TOPMed 0.00002; gnomAD 0.00003.
gnomAD v4.1: 4 of 1,203,992 alleles (0.00033%); highest among the groups gnomAD compares: Admixed American, 0.0044%; no homozygotes.

Submission:

Labcorp Genetics (formerly Invitae), Labcorp
Classification: Uncertain significance. Last evaluated: 2023-12-02. Review status: criteria provided, single submitter. Criteria: Invitae Variant Classification Sherloc (09022015). Collection method: clinical testing. Allele origin: germline.
Comment: This sequence change replaces histidine, which is basic and polar, with arginine, which is basic and polar, at codon 612 of the IL1RAPL1 protein (p.His612Arg). The frequency data for this variant in the population databases is considered unreliable, as metrics indicate poor data quality at this position in the gnomAD database. This variant has not been reported in the literature in individuals affected with IL1RAPL1-related conditions. An algorithm developed to predict the effect of missense changes on protein structure and function (PolyPhen-2) suggests that this variant is likely to be tolerated. In summary, the available evidence is currently insufficient to determine the role of this variant in disease. Therefore, it has been classified as a Variant of Uncertain Significance.